The following is an entry in ClinVar:

Conditions:
Breast-ovarian cancer, familial, susceptibility to, 1 (BROVCA1). Also called: BRCA1 Hereditary Breast and Ovarian Cancer; OVARIAN CANCER, SUSCEPTIBILITY TO. Identifiers: Orphanet 145, MedGen C2676676, MONDO:0011450, OMIM 604370. Disease mechanism: loss of function.

Submission:

Brotman Baty Institute, University of Washington
No classification provided (evidence only). Condition: Breast-ovarian cancer, familial 1. Review status: no classification provided. Collection method: in vitro. Allele origin: not applicable. Functional consequence: functionally_normal.
ClinVar note: "not provided" was previously submitted as the classification for the variant. However, the classification appeared to be based only on an observation of functional data so it was converted to no classification on 2025-07-30.

NM_007294.4(BRCA1):c.5438A>C (p.Asp1813Ala)

Gene: BRCA1 (BRCA1 DNA repair associated; minus strand). Cytogenetic location: 17q21.31.
Variant type: single nucleotide variant.
Coding change: c.5438A>C on transcript NM_007294.4 (MANE Select); coding-DNA position 5438, A replaced by C.
Protein change: p.Asp1813Ala; replaces aspartic acid 1813 with alanine.
Molecular consequence: missense variant. On other transcripts: non-coding transcript variant (1).
Genome position (GRCh38, 1-based): chr17:43,047,672, T>G on the plus strand (A>C on the coding strand, the complement: BRCA1 is on the minus strand). VCF-style: chr17-43047672-T-G. GRCh37 (hg19) VCF-style: chr17-41199689-T-G.
Other names: c.5225A>C, p.Asp1742Ala (NM_001407571.1, NM_001407900.1, NM_001407902.1 and 12 more transcripts); c.5504A>C, p.Asp1835Ala (NM_001407581.1, NM_001407582.1); c.5501A>C, p.Asp1834Ala (NM_001407583.1, NM_001407585.1, NM_001407587.1 and 1 more transcripts); c.5498A>C, p.Asp1833Ala (NM_001407590.1, NM_001407591.1); c.5438A>C, p.Asp1813Ala (NM_001407593.1, NM_001407594.1, NM_001407596.1 and 5 more transcripts); c.5435A>C, p.Asp1812Ala (NM_001407610.1, NM_001407611.1, NM_001407612.1 and 14 more transcripts); c.5432A>C, p.Asp1811Ala (NM_001407629.1, NM_001407630.1, NM_001407631.1 and 13 more transcripts); c.5378A>C, p.Asp1793Ala (NM_001407649.1); and 83 more; short protein forms R684S, D1834A, D1813A, D1766A, D709A, D1724A, D1725A, D1743A.
Identifiers: ClinVar variation 867390 (VCV000867390.3), dbSNP rs1555574715, ClinGen allele CA10590547.